The following is an entry in ClinVar:

ClinVar aggregate classification (germline): Pathogenic. Review status: criteria provided, multiple submitters, no conflicts (2 of 4 stars). 23 submissions from 23 submitters: Pathogenic (22). 1 of the submissions does not count toward it. Last evaluated 2026-06-01.

Conditions:
Inborn genetic diseases. Identifiers: MedGen C0950123, MeSH D030342.
Wilson disease (WND). Also called: Wilson's disease. Identifiers: Orphanet 905, MedGen C0019202, MONDO:0010200, OMIM 277900. Disease mechanism: loss of function.

Allele frequency attached by ClinVar (database versions not stated): TOPMed below 0.00001; gnomAD exomes 0.00003 and 0.00005; ExAC 0.00005.
gnomAD v4.1: 37 of 1,614,164 alleles (0.0023%); highest among the groups gnomAD compares: South Asian, 0.036%; no homozygotes.

Submissions 1 to 9 of 23:

CeGaT Center for Human Genetics Tuebingen
Classification: Pathogenic. Last evaluated: 2026-06-01. Review status: criteria provided, single submitter. Criteria: CeGaT Center For Human Genetics Tuebingen Variant Classification Criteria Version 2. Collection method: clinical testing. Allele origin: germline. Affected: yes. Observed: 1 variant allele.
Comment: ATP7B: PM3:Very Strong, PM1, PM2, PM5, PP3, PS3:Supporting

Labcorp Genetics (formerly Invitae), Labcorp
Classification: Pathogenic for Wilson disease. Last evaluated: 2026-01-18. Review status: criteria provided, single submitter. Criteria: Invitae Variant Classification Sherloc (09022015). Collection method: clinical testing. Allele origin: germline.
Comment: This sequence change replaces glycine, which is neutral and non-polar, with glutamic acid, which is acidic and polar, at codon 1061 of the ATP7B protein (p.Gly1061Glu). This variant is present in population databases (rs764131178, gnomAD 0.04%). This missense change has been observed in individual(s) with Wilson disease (PMID: 10502777, 10544227, 15024742, 17264425, 17823867). ClinVar contains an entry for this variant (Variation ID: 312383). Invitae Evidence Modeling of protein sequence and biophysical properties (such as structural, functional, and spatial information, amino acid conservation, physicochemical variation, residue mobility, and thermodynamic stability) indicates that this missense variant is expected to disrupt ATP7B protein function with a positive predictive value of 80%. For these reasons, this variant has been classified as Pathogenic.

Variantyx, Inc.
Classification: Pathogenic for Wilson disease. Last evaluated: 2025-12-11. Review status: criteria provided, single submitter. Criteria: Variantyx Assertion Criteria 2022. Collection method: clinical testing. Allele origin: germline. Inheritance: Autosomal recessive inheritance. Affected: yes.
Comment: This is a nonsynonymous variant in the ATP7B gene (OMIM: 606882). Pathogenic variants in this gene have been associated with autosomal recessive Wilson disease. The clinical symptoms reported for this individual are highly specific for autosomal recessive Wilson disease, which has a limited genetic etiology (PMID: 20301685) (PP4). Functional studies have shown that this variant alters ATP7B protein function (PMID: 32778786, 40661833) (PS3), and multiple computational algorithms predict a deleterious effect for this variant (REVEL score: 0.928) (PP3). Moreover, the alteration lies within a known hotspot for pathogenic variants or a well-established critical functional domain of the ATP7B protein (PM1) and an alternate amino acid change at this position (p.Gly1061Arg) has been reported in affected individuals; however, its pathogenicity has not been established (PMID: 30655162, 30466937). This variant has a 0.0362% maximum allele frequency in non-founder control populations (PM2). Based on the current evidence, this variant is classified as pathogenic for autosomal recessive Wilson disease.

GeneDx
Classification: Pathogenic. Last evaluated: 2025-09-24. Review status: criteria provided, single submitter. Criteria: GeneDx Variant Classification Process June 2021. Collection method: clinical testing. Allele origin: germline. Affected: yes.
Comment: Common pathogenic variant identified in the Indian population (PMID: 17634212, 31059521); In silico analysis supports that this missense variant has a deleterious effect on protein structure/function; This variant is associated with the following publications: (PMID: 17823867, 25982861, 25900946, 26207595, 18371106, 23430908, 31589614, 37660282, 32778786, 40661833, 30120852, 10502777, 24094725, 10544227, 22692182, 36096368, 36308701, 15024742, 17264425, 17634212, 31059521, 20517649, 19172127, 20967755, 15952988, 33083013, 11216666, 27982432)

Color Diagnostics, LLC DBA Color Health
Classification: Pathogenic for Wilson disease. Last evaluated: 2025-09-02. Review status: criteria provided, single submitter. Criteria: ACMG Guidelines, 2015. Collection method: clinical testing. Allele origin: germline.
Comment: This missense variant replaces glycine with glutamic acid at codon 1061 of the ATP7B protein. Computational prediction suggests that this variant may have deleterious impact on protein structure and function. This variant occurs in the functionally important ATP nucleotide-binding (N) domain (a.a. 1032 - 1196) that mediates the generation of energy need to transport copper (PMID: 35245129). A functional study showed that the variant resulted in ATP7B retention in the endoplasmic reticulum, inhibition of copper transport, and lower ATP7B protein expression compared to wild-type (PMID: 32778786). This variant has been observed in many individuals affected with autosomal recessive Wilson disease (PMID: 11216666, 10544227, 15024742, 15523622, 15952988, 17264425, 17634212, 17823867, 19172127, 20517649, 20967755, 23518715, 24094725, 25982861, 27982432, 30120852, 31059521, 34002136, 35535059), including in the homozygous state with no evidence of consanguinity (PMID: 10502777, 15952988, 20517649, 23518715, 31059521) and in the compound heterozygous state with a second pathogenic ATP7B variant (PMID: 10544227, 15024742, 15952988, 17823867, 20967755, 23518715, 30120852, 34002136, 35535059). This variant has been identified in 12/249320 chromosomes in the general population by the Genome Aggregation Database (gnomAD). Based on the available evidence, this variant is classified as Pathogenic.

Natera, Inc.
Classification: Pathogenic for Wilson disease. Last evaluated: 2025-08-18. Review status: criteria provided, single submitter. Criteria: Natera Variant Classification Schema (03/2026). Collection method: clinical testing. Allele origin: germline.
Comment: The c.3182G>A variant in ATP7B is a missense variant predicted to cause substitution of glycine to glutamic acid at amino acid 1061. This variant is rare in the general population with a frequency below the threshold expected for the associated phenotype(s). This variant has been observed in one or more individuals affected with the associated recessive disease, as either homozygous or compound heterozygous with a second variant (PMID: 31059521, 23551039). Computational prediction algorithms indicate this variant is likely to affect gene or protein function. Given the available evidence, this variant is classified as Pathogenic.

Victorian Clinical Genetics Services, Murdoch Childrens Research Institute
Classification: Pathogenic for Wilson disease. Last evaluated: 2025-05-16. Review status: criteria provided, single submitter. Criteria: ACMG Guidelines, 2015. Collection method: clinical testing. Allele origin: germline. Affected: no.
Comment: This variant is classified as Pathogenic. Evidence in support of pathogenic classification: Variant is present in gnomAD <0.01 for a recessive condition (v4: 37 heterozygote(s), 0 homozygote(s)); This variant has strong previous evidence of pathogenicity in unrelated individuals. This variant has been classified as pathogenic by many clinical laboratories in ClinVar; Missense variant predicted to be damaging by in silico tool(s) or highly conserved with a major amino acid change. Additional information: Variant is predicted to result in a missense amino acid change from glycine to glutamic acid; This variant is heterozygous; This gene is associated with autosomal recessive disease; Alternative amino acid change(s) at the same position are present in gnomAD (Highest allele count: v4: 1 heterozygote(s), 0 homozygote(s)); Variant is located in the annotated haloacid dehalogenase-like hydrolase domain (DECIPHER); Loss of function is a known mechanism of disease in this gene and is associated with Wilson disease (MIM#277900); Parental origin of the variant is unresolved.

Mayo Clinic Laboratories, Mayo Clinic
Classification: Pathogenic. Last evaluated: 2024-11-12. Review status: criteria provided, single submitter. Criteria: ACMG Guidelines, 2015. Collection method: clinical testing. Allele origin: germline. Observed: 3 variant alleles.

Lildballe Lab, Aarhus University Hospital
Classification: Pathogenic for Wilson disease. Last evaluated: 2024-08-29. Review status: criteria provided, single submitter. Criteria: ACMG Guidelines, 2015. Collection method: clinical testing. Allele origin: germline. Affected: yes.
Comment: PP5, PP3, PM1, PM2

NM_000053.4(ATP7B):c.3182G>A (p.Gly1061Glu)

Gene: ATP7B (ATPase copper transporting beta; minus strand). Cytogenetic location: 13q14.3.
Variant type: single nucleotide variant.
Coding change: c.3182G>A on transcript NM_000053.4 (MANE Select); coding-DNA position 3182, G replaced by A.
Protein change: p.Gly1061Glu; replaces glycine 1061 with glutamic acid.
Molecular consequence: missense variant.
Genome position (GRCh38, 1-based): chr13:51,944,170, C>T on the plus strand (G>A on the coding strand, the complement: ATP7B is on the minus strand). VCF-style: chr13-51944170-C-T. GRCh37 (hg19) VCF-style: chr13-52518306-C-T.
Other names: c.2561G>A, p.Gly854Glu (NM_001005918.3); c.2849G>A, p.Gly950Glu (NM_001243182.2); c.2948G>A, p.Gly983Glu (NM_001330578.2); c.2930G>A, p.Gly977Glu (NM_001330579.2); c.[3182G>A] (NM_000053.3); short protein forms G1061E, G854E, G983E, G977E, G950E.
Identifiers: ClinVar variation 312383 (VCV000312383.51), dbSNP rs764131178, ClinGen allele CA6988785.
Genomic context (GRCh38, chr13:51,944,170, plus strand): 5'-TCTTTACAGTATTTGGTGACTGCCACGCCCAAGGGGTGTTCACTGCTGGCCTCCGCAGTC[C>T]CCACCACAGCCAGAACCTTCCTGAGGGGCAGTGTGGCCACATCCCCCAGCAGGAGCACCC-3'
Protein context (NP_000044.2, residues 1051-1071): LPLRKVLAVV[Gly1061Glu]TAEASSEHPL